The following is an entry in ClinVar:

ClinVar aggregate classification (germline): Uncertain significance (1 of 4 stars; one submission).

Conditions:
Charcot-Marie-Tooth disease axonal type 2O. Also called: CHARCOT-MARIE-TOOTH NEUROPATHY, AXONAL, TYPE 2O; CHARCOT-MARIE-TOOTH DISEASE, AXONAL, AUTOSOMAL DOMINANT, TYPE 2O; Charcot-Marie-Tooth Neuropathy Type 2O; Charcot-Marie-Tooth disease, axonal, type 20. Identifiers: Orphanet 284232, MedGen C3280220, MONDO:0013644, OMIM 614228.

Allele frequency attached by ClinVar (database versions not stated): gnomAD exomes 0.00001; ExAC 0.00002.
gnomAD v4.1: 21 of 1,614,166 alleles (0.0013%); highest among the groups gnomAD compares: Middle Eastern, 0.016%; no homozygotes.

Submissions (2):

Labcorp Genetics (formerly Invitae), Labcorp
Classification: Uncertain significance for Charcot-Marie-Tooth disease axonal type 2O. Last evaluated: 2024-01-04. Review status: criteria provided, single submitter. Criteria: Invitae Variant Classification Sherloc (09022015). Collection method: clinical testing. Allele origin: germline.
Comment: This sequence change falls in intron 53 of the DYNC1H1 gene. It does not directly change the encoded amino acid sequence of the DYNC1H1 protein. It affects a nucleotide within the consensus splice site. This variant is present in population databases (rs779109019, gnomAD 0.01%). This variant has not been reported in the literature in individuals affected with DYNC1H1-related conditions. This variant has been observed in at least one individual who was not affected with DYNC1H1-related conditions (Invitae). Variants that disrupt the consensus splice site are a relatively common cause of aberrant splicing (PMID: 17576681, 9536098). Algorithms developed to predict the effect of sequence changes on RNA splicing suggest that this variant may disrupt the consensus splice site. In summary, the available evidence is currently insufficient to determine the role of this variant in disease. Therefore, it has been classified as a Variant of Uncertain Significance.

Dr. Peter K. Rogan Lab, Western University
No classification provided (evidence only). Condition: Ovarian serous cystadenocarcinoma. Review status: no classification provided. Collection method: in vitro. Allele origin: not applicable. Functional consequence: retained intron. Not counted in ClinVar's aggregate classification.

Literature cited by the submitters: PubMed 17576681 (cited by Labcorp Genetics (formerly Invitae), Labcorp); PubMed 9536098 (cited by Labcorp Genetics (formerly Invitae), Labcorp).

NM_001376.5(DYNC1H1):c.10198-3C>A

Gene: DYNC1H1 (dynein cytoplasmic 1 heavy chain 1; plus strand). Cytogenetic location: 14q32.31.
Variant type: single nucleotide variant.
Coding change: c.10198-3C>A on transcript NM_001376.5 (MANE Select); 3 bases into the intron before coding-DNA position 10198, C replaced by A.
Molecular consequence: intron variant.
Genome position (GRCh38, 1-based): chr14:102,033,266, C>A. VCF-style: chr14-102033266-C-A. GRCh37 (hg19) VCF-style: chr14-102499603-C-A.
Identifiers: ClinVar variation 2728451 (VCV002728451.4), dbSNP rs779109019, ClinGen allele CA7353377.